The following is an entry in ClinVar:

NM_004369.4(COL6A3):c.3205G>A (p.Val1069Met)

Gene: COL6A3 (collagen type VI alpha 3 chain; minus strand). Cytogenetic location: 2q37.3.
Variant type: single nucleotide variant.
Coding change: c.3205G>A on transcript NM_004369.4 (MANE Select); coding-DNA position 3205, G replaced by A.
Protein change: p.Val1069Met; replaces valine 1069 with methionine.
Molecular consequence: missense variant.
Genome position (GRCh38, 1-based): chr2:237,374,886, C>T on the plus strand (G>A on the coding strand, the complement: COL6A3 is on the minus strand). VCF-style: chr2-237374886-C-T. GRCh37 (hg19) VCF-style: chr2-238283529-C-T.
Other names: c.1984G>A, p.Val662Met (NM_057164.5); c.2587G>A, p.Val863Met (NM_057165.5, NM_057167.4); c.1384G>A, p.Val462Met (NM_057166.5); short protein forms V1069M, V863M, V462M, V662M.
Identifiers: ClinVar variation 285464 (VCV000285464.25), dbSNP rs115297652, ClinGen allele CA2189216.

ClinVar aggregate classification (germline): Conflicting classifications of pathogenicity. Review status: criteria provided, conflicting classifications (1 of 4 stars). 6 submissions from 6 submitters: Uncertain significance (2); Benign (2); Likely benign (2). Last evaluated 2026-10-01.

Conditions:
Inborn genetic diseases. Identifiers: MedGen C0950123, MeSH D030342.
Collagen 6-related myopathy. Identifiers: MedGen CN117976, MONDO:0100225.
Bethlem myopathy 1A. Also called: Bethlem Muscular Dystrophy; MYOPATHY, BENIGN CONGENITAL, WITH CONTRACTURES; Bethlem myopathy 1. Identifiers: Orphanet 610, MedGen CN029274, MONDO:0024530, OMIM 158810.

Allele frequency attached by ClinVar (database versions not stated): gnomAD 0.00011 and 0.00018; gnomAD exomes 0.00020 and 0.00043; TOPMed 0.00027; ExAC 0.00039; 1000 Genomes Project 0.00120; 1000 Genomes Project 30x 0.00156.
gnomAD v4.1: 330 of 1,613,910 alleles (0.02%); highest among the groups gnomAD compares: East Asian, 0.61%; 1 homozygote.

Submissions (6):

CeGaT Center for Human Genetics Tuebingen
Classification: Uncertain significance. Last evaluated: 2026-10-01. Review status: criteria provided, single submitter. Criteria: CeGaT Center For Human Genetics Tuebingen Variant Classification Criteria Version 2. Collection method: clinical testing. Allele origin: germline. Affected: yes. Observed: 1 variant allele.

Labcorp Genetics (formerly Invitae), Labcorp
Classification: Likely benign for Bethlem myopathy 1A. Last evaluated: 2026-01-19. Review status: criteria provided, single submitter. Criteria: Invitae Variant Classification Sherloc (09022015). Collection method: clinical testing. Allele origin: germline.

Ambry Genetics
Classification: Uncertain significance for Inborn genetic diseases. Last evaluated: 2025-05-18. Review status: criteria provided, single submitter. Criteria: Ambry Variant Classification Scheme 2023. Collection method: clinical testing. Allele origin: germline.

Illumina Laboratory Services, Illumina
Classification: Benign for Collagen VI-related myopathy. Last evaluated: 2018-01-13. Review status: criteria provided, single submitter. Criteria: ICSL Variant Classification Criteria 13 December 2019. Collection method: clinical testing. Allele origin: germline.
Comment: This variant was observed in the ICSL laboratory as part of a predisposition screen in an ostensibly healthy population. It had not been previously curated by ICSL or reported in the Human Gene Mutation Database (HGMD: prior to June 1st, 2018), and was therefore a candidate for classification through an automated scoring system. Utilizing variant allele frequency, disease prevalence and penetrance estimates, and inheritance mode, an automated score was calculated to assess if this variant is too frequent to cause the disease. Based on the score and internal cut-off values, a variant classified as benign is not then subjected to further curation. The score for this variant resulted in a classification of benign for this disease.

GeneDx
Classification: Likely benign. Last evaluated: 2017-02-06. Review status: criteria provided, single submitter. Criteria: GeneDx Variant Classification (06012015). Collection method: clinical testing. Allele origin: germline. Affected: yes.
Comment: This variant is considered likely benign or benign based on one or more of the following criteria: it is a conservative change, it occurs at a poorly conserved position in the protein, it is predicted to be benign by multiple in silico algorithms, and/or has population frequency not consistent with disease.

Eurofins Ntd Llc (ga)
Classification: Benign. Last evaluated: 2016-07-12. Review status: criteria provided, single submitter. Criteria: EGL Classification Definitions 2015. Collection method: clinical testing. Allele origin: germline. Observed: 1 variant allele, 1 heterozygote.